The following is an entry in ClinVar:

ClinVar aggregate classification (germline): Pathogenic. Review status: reviewed by expert panel (3 of 4 stars). 2 submissions from 2 submitters: Pathogenic (1). 1 of the submissions does not count toward it. Last evaluated 2016-10-18.

Conditions:
Breast-ovarian cancer, familial, susceptibility to, 2 (BROVCA2). Also called: BRCA2 Hereditary Breast and Ovarian Cancer. Identifiers: Orphanet 145, MedGen C2675520, MONDO:0012933, OMIM 612555. Disease mechanism: loss of function.

Submissions (2):

Evidence-based Network for the Interpretation of Germline Mutant Alleles (ENIGMA)
Classification: Pathogenic for Breast-ovarian cancer, familial, susceptibility to, 2. Last evaluated: 2016-10-18. Review status: reviewed by expert panel. Criteria: ENIGMA BRCA1/2 Classification Criteria (2015). Collection method: curation. Allele origin: germline.
Comment: Variant allele predicted to encode a truncated non-functional protein.

Consortium of Investigators of Modifiers of BRCA1/2 (CIMBA), c/o University of Cambridge
Classification: Pathogenic for Breast-ovarian cancer, familial, susceptibility to, 2. Last evaluated: 2015-10-02. Review status: criteria provided, single submitter. Criteria: CIMBA Mutation Classification guidelines May 2016. Collection method: clinical testing. Allele origin: germline. Not counted in ClinVar's aggregate classification.

NM_000059.4(BRCA2):c.4385dup (p.Leu1462fs)

Gene: BRCA2 (BRCA2 DNA repair associated; plus strand). Cytogenetic location: 13q13.1.
Variant type: Duplication.
Coding change: c.4385dup on transcript NM_000059.4 (MANE Select); coding-DNA position 4385, one base duplicated (T; older notation c.4385dupT).
Protein change: p.Leu1462fs; shifts the reading frame from leucine 1462.
Molecular consequence: frameshift variant.
Genome position (GRCh38, 1-based): chr13:32,338,740, T duplicated; the last of 2 consecutive T bases (chr13:32,338,739-32,338,740); duplicating either gives the same sequence. VCF-style (leftmost placement, unchanged base first): chr13-32338738-C-CT. GRCh37 (hg19) VCF-style: chr13-32912875-C-CT.
Other names: 4613_4614insT; short protein forms L1462fs.
Identifiers: ClinVar variation 266807 (VCV000266807.5), dbSNP rs886040525, ClinGen allele CA10589255.